The following is an entry in ClinVar:

ClinVar aggregate classification (germline): Uncertain significance (1 of 4 stars; one submission).

Conditions:
DNMT3A-related disorder. Also called: DNMT3A-related condition; DNMT3A-related disorders.

Submission:

PreventionGenetics, part of Exact Sciences
Classification: Uncertain significance for DNMT3A-related condition. Last evaluated: 2026-06-09. Review status: criteria provided, single submitter. Criteria: ACMG Guidelines, 2015. Collection method: clinical testing. Allele origin: germline.
Comment: The DNMT3A c.1345G>C variant is predicted to result in the amino acid substitution p.Ala449Pro. To our knowledge, this variant has not been reported in the literature or in a large population database (gnomAD), indicating this variant is rare. At this time, the clinical significance of this variant is uncertain due to the absence of conclusive functional and genetic evidence.

NM_022552.5(DNMT3A):c.1345G>C (p.Ala449Pro)

Gene: DNMT3A (DNA methyltransferase 3 alpha; minus strand). Cytogenetic location: 2p23.3.
Variant type: single nucleotide variant.
Coding change: c.1345G>C on transcript NM_022552.5 (MANE Select); coding-DNA position 1345, G replaced by C.
Protein change: p.Ala449Pro; replaces alanine 449 with proline.
Molecular consequence: missense variant. On other transcripts: non-coding transcript variant (1).
Genome position (GRCh38, 1-based): chr2:25,246,244, C>G on the plus strand (G>C on the coding strand, the complement: DNMT3A is on the minus strand). VCF-style: chr2-25246244-C-G. GRCh37 (hg19) VCF-style: chr2-25469113-C-G.
Other names: c.889G>C, p.Ala297Pro (NM_001320893.1); c.676G>C, p.Ala226Pro (NM_001375819.1); c.778G>C, p.Ala260Pro (NM_153759.3); c.1345G>C, p.Ala449Pro (NM_175629.2); short protein forms A297P, A449P, A226P, A260P.
Identifiers: ClinVar variation 4992308 (VCV004992308.1).